The following is an entry in ClinVar:

NM_014874.4(MFN2):c.1822G>A (p.Ala608Thr)

Gene: MFN2 (mitofusin 2; plus strand). Cytogenetic location: 1p36.22.
Variant type: single nucleotide variant.
Coding change: c.1822G>A on transcript NM_014874.4 (MANE Select); coding-DNA position 1822, G replaced by A.
Protein change: p.Ala608Thr; replaces alanine 608 with threonine.
Molecular consequence: missense variant.
Genome position (GRCh38, 1-based): chr1:12,006,643, G>A. VCF-style: chr1-12006643-G-A. GRCh37 (hg19) VCF-style: chr1-12066700-G-A.
Other names: c.1822G>A, p.Ala608Thr (NM_001127660.2); short protein forms A608T.
Identifiers: ClinVar variation 1048590 (VCV001048590.5), dbSNP rs1639431440, ClinGen allele CA338449048.

ClinVar aggregate classification (germline): Uncertain significance. Review status: criteria provided, single submitter (1 of 4 stars). 2 submissions from 2 submitters: Uncertain significance (1). 1 of the submissions does not count toward it. Last evaluated 2023-10-12.

Conditions:
Charcot-Marie-Tooth disease type 2. Also called: Charcot-Marie-Tooth type 2. Identifiers: Orphanet 64746, MedGen C0270914, MONDO:0018993.
Charcot-Marie-Tooth disease type 2A2. Also called: CHARCOT-MARIE-TOOTH DISEASE, AXONAL, TYPE 2A2; CHARCOT-MARIE-TOOTH DISEASE, NEURONAL, TYPE 2A2; HEREDITARY MOTOR AND SENSORY NEUROPATHY IIA2; HMSN IIA2; Charcot-Marie-Tooth Neuropathy Type 2A2; CHARCOT-MARIE-TOOTH DISEASE, AXONAL, AUTOSOMAL DOMINANT, TYPE 2A2A. Identifiers: Orphanet 99947, MedGen C4721887, MONDO:0012231, OMIM 609260.

Allele frequency attached by ClinVar (database versions not stated): gnomAD 0.00001.
gnomAD v4.1: 7 of 1,614,000 alleles (0.00043%); highest among the groups gnomAD compares: African/African-American, 0.0013%; no homozygotes.

Submissions (2):

Labcorp Genetics (formerly Invitae), Labcorp
Classification: Uncertain significance for Charcot-Marie-Tooth disease type 2. Last evaluated: 2023-10-12. Review status: criteria provided, single submitter. Criteria: Invitae Variant Classification Sherloc (09022015). Collection method: clinical testing. Allele origin: germline.
Comment: This sequence change replaces alanine, which is neutral and non-polar, with threonine, which is neutral and polar, at codon 608 of the MFN2 protein (p.Ala608Thr). This variant is not present in population databases (gnomAD no frequency). This variant has not been reported in the literature in individuals affected with MFN2-related conditions. ClinVar contains an entry for this variant (Variation ID: 1048590). Advanced modeling of protein sequence and biophysical properties (such as structural, functional, and spatial information, amino acid conservation, physicochemical variation, residue mobility, and thermodynamic stability) performed at Invitae indicates that this missense variant is expected to disrupt MFN2 protein function. In summary, the available evidence is currently insufficient to determine the role of this variant in disease. Therefore, it has been classified as a Variant of Uncertain Significance.

Institute of Human Genetics, University of Goettingen
Classification: Uncertain significance for Charcot-Marie-Tooth disease type 2A2. Last evaluated: 2021-04-01. Review status: no assertion criteria provided. Collection method: clinical testing. Allele origin: unknown. Inheritance: Sporadic. Affected: yes. Not counted in ClinVar's aggregate classification.